The following is an entry in ClinVar:

NM_001122681.2(SH3BP2):c.*7165T>G

Gene: SH3BP2 (SH3 domain binding protein 2; plus strand). Cytogenetic location: 4p16.3.
Variant type: single nucleotide variant.
Coding change: c.*7165T>G on transcript NM_001122681.2 (MANE Select); 7165 bases downstream of the stop codon, T replaced by G.
Molecular consequence: 3 prime UTR variant.
Genome position (GRCh38, 1-based): chr4:2,840,999, T>G. VCF-style: chr4-2840999-T-G. GRCh37 (hg19) VCF-style: chr4-2842726-T-G.
Other names: c.*7165T>G (LRG_1334t2, LRG_1334t1, NM_001145855.2 and 2 more transcripts).
Identifiers: ClinVar variation 348719 (VCV000348719.5), dbSNP rs111574096, ClinGen allele CA10621014.

ClinVar aggregate classification (germline): Benign (1 of 4 stars; one submission).

Conditions:
Fibrous dysplasia of jaw (CRBM). Also called: Cherubism. Identifiers: Orphanet 184, MedGen C0008029, MONDO:0007315, OMIM 118400.

Allele frequency attached by ClinVar (database versions not stated): gnomAD 0.02212 and 0.02054; TOPMed 0.02328; 1000 Genomes Project 0.02356; 1000 Genomes Project 30x 0.02655.

Submission:

Illumina Laboratory Services, Illumina
Classification: Benign for Fibrous dysplasia of jaw. Last evaluated: 2018-01-12. Review status: criteria provided, single submitter. Criteria: ICSL Variant Classification Criteria 13 December 2019. Collection method: clinical testing. Allele origin: germline.
Comment: This variant was observed in the ICSL laboratory as part of a predisposition screen in an ostensibly healthy population. It had not been previously curated by ICSL or reported in the Human Gene Mutation Database (HGMD: prior to June 1st, 2018), and was therefore a candidate for classification through an automated scoring system. Utilizing variant allele frequency, disease prevalence and penetrance estimates, and inheritance mode, an automated score was calculated to assess if this variant is too frequent to cause the disease. Based on the score and internal cut-off values, a variant classified as benign is not then subjected to further curation. The score for this variant resulted in a classification of benign for this disease.